The following is an entry in ClinVar:

ClinVar aggregate classification (germline): Uncertain significance (1 of 4 stars; one submission).

Allele frequency attached by ClinVar (database versions not stated): gnomAD exomes below 0.00001; TOPMed below 0.00001.
gnomAD v4.1: 1 of 1,614,202 alleles (0.000062%); highest among the groups gnomAD compares: Non-Finnish European, 0.000085%; no homozygotes.

Submission:

Labcorp Genetics (formerly Invitae), Labcorp
Classification: Uncertain significance. Last evaluated: 2025-01-23. Review status: criteria provided, single submitter. Criteria: Invitae Variant Classification Sherloc (09022015). Collection method: clinical testing. Allele origin: germline.
Comment: This sequence change replaces leucine, which is neutral and non-polar, with phenylalanine, which is neutral and non-polar, at codon 1262 of the COL2A1 protein (p.Leu1262Phe). This variant is not present in population databases (gnomAD no frequency). This variant has not been reported in the literature in individuals affected with COL2A1-related conditions. ClinVar contains an entry for this variant (Variation ID: 2066551). Invitae Evidence Modeling of protein sequence and biophysical properties (such as structural, functional, and spatial information, amino acid conservation, physicochemical variation, residue mobility, and thermodynamic stability) indicates that this missense variant is not expected to disrupt COL2A1 protein function with a negative predictive value of 95%. In summary, the available evidence is currently insufficient to determine the role of this variant in disease. Therefore, it has been classified as a Variant of Uncertain Significance.

NM_001844.5(COL2A1):c.3784C>T (p.Leu1262Phe)

Gene: COL2A1 (collagen type II alpha 1 chain; minus strand). Cytogenetic location: 12q13.11.
Variant type: single nucleotide variant.
Coding change: c.3784C>T on transcript NM_001844.5 (MANE Select); coding-DNA position 3784, C replaced by T.
Protein change: p.Leu1262Phe; replaces leucine 1262 with phenylalanine.
Molecular consequence: missense variant.
Genome position (GRCh38, 1-based): chr12:47,975,419, G>A on the plus strand (C>T on the coding strand, the complement: COL2A1 is on the minus strand). VCF-style: chr12-47975419-G-A. GRCh37 (hg19) VCF-style: chr12-48369202-G-A.
Other names: c.3577C>T, p.Leu1193Phe (NM_033150.3); short protein forms L1193F, L1262F.
Identifiers: ClinVar variation 2066551 (VCV002066551.4), dbSNP rs1938651917, ClinGen allele CA384536701.